The following is an entry in ClinVar:

ClinVar aggregate classification (germline): Uncertain significance (1 of 4 stars; one submission).

Conditions:
Andersen Tawil syndrome (LQT7). Also called: ANDERSEN CARDIODYSRHYTHMIC PERIODIC PARALYSIS; Potassium-sensitive periodic paralysis, ventricular ectopy, and dysmorphic features; PERIODIC PARALYSIS, POTASSIUM-SENSITIVE CARDIODYSRHYTHMIC TYPE; Andersen Syndrome; LONG QT SYNDROME 7. Identifiers: Orphanet 37553, MedGen C1563715, MONDO:0008222, OMIM 170390.
Short QT syndrome type 3. Identifiers: Orphanet 51083, MedGen C1865018, MONDO:0012314, OMIM 609622.

Allele frequency attached by ClinVar (database versions not stated): gnomAD exomes below 0.00001 and 0.00001.

Submission:

Labcorp Genetics (formerly Invitae), Labcorp
Classification: Uncertain significance for Short QT syndrome type 3; Andersen Tawil syndrome. Last evaluated: 2025-07-20. Review status: criteria provided, single submitter. Criteria: Invitae Variant Classification Sherloc (09022015). Collection method: clinical testing. Allele origin: germline.
Comment: This sequence change replaces isoleucine, which is neutral and non-polar, with leucine, which is neutral and non-polar, at codon 175 of the KCNJ2 protein (p.Ile175Leu). This variant is present in population databases (rs761209037, gnomAD 0.0009%). This variant has not been reported in the literature in individuals affected with KCNJ2-related conditions. ClinVar contains an entry for this variant (Variation ID: 1060569). Invitae Evidence Modeling of protein sequence and biophysical properties (such as structural, functional, and spatial information, amino acid conservation, physicochemical variation, residue mobility, and thermodynamic stability) indicates that this missense variant is not expected to disrupt KCNJ2 protein function with a negative predictive value of 95%. In summary, the available evidence is currently insufficient to determine the role of this variant in disease. Therefore, it has been classified as a Variant of Uncertain Significance.

NM_000891.3(KCNJ2):c.523A>C (p.Ile175Leu)

Gene: KCNJ2 (potassium inwardly rectifying channel subfamily J member 2; plus strand). Cytogenetic location: 17q24.3.
Variant type: single nucleotide variant.
Coding change: c.523A>C on transcript NM_000891.3 (MANE Select); coding-DNA position 523, A replaced by C.
Protein change: p.Ile175Leu; replaces isoleucine 175 with leucine.
Molecular consequence: missense variant.
Genome position (GRCh38, 1-based): chr17:70,175,562, A>C. VCF-style: chr17-70175562-A-C. GRCh37 (hg19) VCF-style: chr17-68171703-A-C.
Other names: short protein forms I175L.
Identifiers: ClinVar variation 1060569 (VCV001060569.9), dbSNP rs761209037, ClinGen allele CA293702916.